The following is an entry in ClinVar:

NM_032383.5(HPS3):c.995_996dup (p.Leu333fs)

Gene: HPS3 (HPS3 biogenesis of lysosomal organelles complex 2 subunit 1; plus strand). Cytogenetic location: 3q24.
Variant type: Duplication.
Coding change: c.995_996dup on transcript NM_032383.5 (MANE Select); coding-DNA positions 995 to 996, 2 bases duplicated (AT; older notation c.995_996dupAT).
Protein change: p.Leu333fs; shifts the reading frame from leucine 333.
Molecular consequence: frameshift variant.
Genome position (GRCh38, 1-based): chr3:149,145,378-149,145,379, AT duplicated. VCF-style (leftmost placement, unchanged base first): chr3-149145377-A-AAT. GRCh37 (hg19) VCF-style: chr3-148863164-A-AAT.
Other names: c.500_501dup, p.Leu168fs (NM_001308258.2); short protein forms L168fs, L333fs.
Identifiers: ClinVar variation 1323065 (VCV001323065.9), dbSNP rs763305108, ClinGen allele CA2659978.

ClinVar aggregate classification (germline): Pathogenic. Review status: criteria provided, multiple submitters, no conflicts (2 of 4 stars). 2 submissions from 2 submitters: Pathogenic (2). Last evaluated 2021-07-02.

Conditions:
Hermansky-Pudlak syndrome 3 (HPS3). Identifiers: Orphanet 231512, Orphanet 79430, MedGen C3888001, MONDO:0013555, OMIM 614072.

Allele frequency attached by ClinVar (database versions not stated): gnomAD exomes below 0.00001; ExAC 0.00001.

Submissions (2):

Labcorp Genetics (formerly Invitae), Labcorp
Classification: Pathogenic. Last evaluated: 2021-07-02. Review status: criteria provided, single submitter. Criteria: Invitae Variant Classification Sherloc (09022015). Collection method: clinical testing. Allele origin: germline.
Comment: This sequence change creates a premature translational stop signal (p.Leu333Ilefs*9) in the HPS3 gene. It is expected to result in an absent or disrupted protein product. Loss-of-function variants in HPS3 are known to be pathogenic (PMID: 11590544). This variant is present in population databases (rs763305108, ExAC 0.006%). This variant has not been reported in the literature in individuals affected with HPS3-related conditions. For these reasons, this variant has been classified as Pathogenic.

Revvity Omics, Revvity
Classification: Pathogenic for Hermansky-Pudlak syndrome 3. Last evaluated: 2020-04-16. Review status: criteria provided, single submitter. Criteria: ACMG Guidelines, 2015. Collection method: clinical testing. Allele origin: germline.

Literature cited by the submitters: PubMed 11590544 (cited by Labcorp Genetics (formerly Invitae), Labcorp).